The following is an entry in ClinVar:

ClinVar aggregate classification (germline): Uncertain significance. Review status: criteria provided, multiple submitters, no conflicts (2 of 4 stars). 3 submissions from 3 submitters: Uncertain significance (3). Last evaluated 2026-03-24.

Conditions:
Early-infantile DEE. Also called: Early infantile epileptic encephalopathy; Ohtahara syndrome; Early infantile epileptic encephalopathy with suppression bursts. Identifiers: Orphanet 1934, MedGen C0393706, MONDO:0800491.

gnomAD v4.1: 3 of 1,609,996 alleles (0.00019%); highest among the groups gnomAD compares: Non-Finnish European, 0.00017%; no homozygotes.

Submissions (3):

Dasa
Classification: Uncertain significance. Last evaluated: 2026-03-24. Review status: criteria provided, single submitter. Criteria: DASA Assertion Criteria. Collection method: clinical testing. Allele origin: germline.
Comment: NM_001330260.2(SCN8A):c.1883G>T (p.Arg628Leu) is a missense variant that results in the substitution of arginine with leucine. This variant is rare in population databases. Computational prediction algorithms are consistent with a deleterious effect. The currently available literature and clinical evidence are not sufficient to establish a definitive association between this variant and the reported condition. Therefore, this variant is classified as a variant of uncertain significance.

Labcorp Genetics (formerly Invitae), Labcorp
Classification: Uncertain significance for Early-infantile DEE. Last evaluated: 2022-03-31. Review status: criteria provided, single submitter. Criteria: Invitae Variant Classification Sherloc (09022015). Collection method: clinical testing. Allele origin: germline.
Comment: This sequence change replaces arginine, which is basic and polar, with leucine, which is neutral and non-polar, at codon 628 of the SCN8A protein (p.Arg628Leu). This variant is not present in population databases (gnomAD no frequency). This variant has not been reported in the literature in individuals affected with SCN8A-related conditions. Algorithms developed to predict the effect of missense changes on protein structure and function are either unavailable or do not agree on the potential impact of this missense change (SIFT: "Deleterious"; PolyPhen-2: "Probably Damaging"; Align-GVGD: "Class C0"). In summary, the available evidence is currently insufficient to determine the role of this variant in disease. Therefore, it has been classified as a Variant of Uncertain Significance.

Revvity Omics, Revvity
Classification: Uncertain significance. Last evaluated: 2022-02-12. Review status: criteria provided, single submitter. Criteria: ACMG Guidelines, 2015. Collection method: clinical testing. Allele origin: germline.

NM_001330260.2(SCN8A):c.1883G>T (p.Arg628Leu)

Gene: SCN8A (sodium voltage-gated channel alpha subunit 8; plus strand). Cytogenetic location: 12q13.13.
Variant type: single nucleotide variant.
Coding change: c.1883G>T on transcript NM_001330260.2 (MANE Select); coding-DNA position 1883, G replaced by T.
Protein change: p.Arg628Leu; replaces arginine 628 with leucine.
Molecular consequence: missense variant.
Genome position (GRCh38, 1-based): chr12:51,721,793, G>T. VCF-style: chr12-51721793-G-T. GRCh37 (hg19) VCF-style: chr12-52115577-G-T.
Other names: c.1883G>T, p.Arg628Leu (NM_001177984.3, NM_001369788.1, NM_014191.4); short protein forms R628L.
Identifiers: ClinVar variation 1965264 (VCV001965264.10), dbSNP rs763701191, ClinGen allele CA385229789.